The following is an entry in ClinVar:

ClinVar aggregate classification (germline): Likely benign. Review status: criteria provided, multiple submitters, no conflicts (2 of 4 stars). 2 submissions from 2 submitters: Likely benign (2). Last evaluated 2025-04-29.

Conditions:
MERTK-related disorder. Also called: MERTK-related condition.

gnomAD v4.1: 21 of 1,612,868 alleles (0.0013%); highest among the groups gnomAD compares: African/African-American, 0.0067%; no homozygotes.

Submissions (2):

PreventionGenetics, part of Exact Sciences
Classification: Likely benign for MERTK-related condition. Last evaluated: 2025-04-29. Review status: criteria provided, single submitter. Criteria: ACMG Guidelines, 2015. Collection method: clinical testing. Allele origin: germline.
Comment: This variant is classified as likely benign based on ACMG/AMP sequence variant interpretation guidelines (Richards et al. 2015 PMID: 25741868, with internal and published modifications).

Blueprint Genetics
Classification: Likely benign. Last evaluated: 2024-03-25. Review status: criteria provided, single submitter. Criteria: ACMG Guidelines, 2015. Collection method: clinical testing. Allele origin: germline.

NM_006343.3(MERTK):c.584-4G>A

Gene: MERTK (MER proto-oncogene, tyrosine kinase; plus strand). Cytogenetic location: 2q13.
Variant type: single nucleotide variant.
Coding change: c.584-4G>A on transcript NM_006343.3 (MANE Select); 4 bases into the intron before coding-DNA position 584, G replaced by A.
Molecular consequence: intron variant.
Genome position (GRCh38, 1-based): chr2:111,947,390, G>A. VCF-style: chr2-111947390-G-A. GRCh37 (hg19) VCF-style: chr2-112704967-G-A.
Other names: c.584-4G>A (NM_006343.2).
Identifiers: ClinVar variation 4956481 (VCV004956481.2).